The following is an entry in ClinVar:

ClinVar aggregate classification (germline): Benign/Likely benign. Review status: criteria provided, multiple submitters, no conflicts (2 of 4 stars). 3 submissions from 3 submitters: Benign (1); Likely benign (2). Last evaluated 2026-04-16.

Conditions:
Hereditary cancer-predisposing syndrome. Also called: Tumor predisposition; Hereditary Cancer Syndrome; Hereditary neoplastic syndrome; Neoplastic Syndromes, Hereditary. Identifiers: Orphanet 140162, MedGen C0027672, MeSH D009386, MONDO:0015356.
DICER1-related tumor predisposition. Also called: DICER1 syndrome; DICER1-related pleuropulmonary blastoma cancer predisposition syndrome. Identifiers: Orphanet 284343, MedGen C3839822, MONDO:0100216.

Allele frequency attached by ClinVar (database versions not stated): gnomAD exomes below 0.00001.
gnomAD v4.1: 3 of 1,614,110 alleles (0.00019%); highest among the groups gnomAD compares: Non-Finnish European, 0.00025%; no homozygotes.

Submissions (3):

Myriad Genetics, Inc.
Classification: Benign for DICER1-related tumor predisposition. Last evaluated: 2026-04-16. Review status: criteria provided, single submitter. Criteria: Myriad Autosomal Dominant, Autosomal Recessive and X-Linked Classification Criteria (2023). Collection method: clinical testing. Allele origin: unknown.
Comment: This variant is considered benign. This variant is a silent/synonymous amino acid change and it is not expected to impact splicing.

Labcorp Genetics (formerly Invitae), Labcorp
Classification: Likely benign for DICER1-related tumor predisposition. Last evaluated: 2025-11-23. Review status: criteria provided, single submitter. Criteria: Invitae Variant Classification Sherloc (09022015). Collection method: clinical testing. Allele origin: germline.

Ambry Genetics
Classification: Likely benign for Hereditary cancer-predisposing syndrome. Last evaluated: 2018-08-13. Review status: criteria provided, single submitter. Criteria: Ambry Variant Classification Scheme 2023. Collection method: clinical testing. Allele origin: germline.

NM_177438.3(DICER1):c.2889T>C (p.Pro963=)

Gene: DICER1 (dicer 1, ribonuclease III; minus strand). Cytogenetic location: 14q32.13.
Variant type: single nucleotide variant.
Coding change: c.2889T>C on transcript NM_177438.3 (MANE Select); coding-DNA position 2889, T replaced by C.
Protein change: p.Pro963=; no amino-acid change (proline 963 retained).
Molecular consequence: synonymous variant.
Genome position (GRCh38, 1-based): chr14:95,106,139, A>G on the plus strand (T>C on the coding strand, the complement: DICER1 is on the minus strand). VCF-style: chr14-95106139-A-G. GRCh37 (hg19) VCF-style: chr14-95572476-A-G.
Other names: c.2889T>C, p.Pro963= (NM_001195573.1, NM_001271282.3, NM_001291628.2 and 1 more transcripts).
Identifiers: ClinVar variation 763720 (VCV000763720.17), dbSNP rs1193808430, ClinGen allele CA487844686.